The following is an entry in ClinVar:

ClinVar aggregate classification (germline): Uncertain significance. Review status: criteria provided, multiple submitters, no conflicts (2 of 4 stars). 3 submissions from 3 submitters: Uncertain significance (3). Last evaluated 2025-02-12.

Conditions:
Arginine:glycine amidinotransferase deficiency (CCDS3). Also called: AGAT deficiency; Cerebral creatine deficiency syndrome 3; L-Arginine:Glycine Amidinotransferase Deficiency; Creatine deficiency syndrome due to AGAT deficiency; GATM deficiency; L-Arginine:Glycine Amidinotransferase (AGAT) Deficiency. Identifiers: Orphanet 35704, MedGen C2675179, MONDO:0012996, OMIM 612718.
Inborn genetic diseases. Identifiers: MedGen C0950123, MeSH D030342.

Allele frequency attached by ClinVar (database versions not stated): gnomAD exomes below 0.00001; TOPMed below 0.00001; gnomAD 0.00001.
gnomAD v4.1: 3 of 1,613,778 alleles (0.00019%); highest among the groups gnomAD compares: Admixed American, 0.005%; no homozygotes.

Submissions (3):

Labcorp Genetics (formerly Invitae), Labcorp
Classification: Uncertain significance for Arginine:glycine amidinotransferase deficiency. Last evaluated: 2025-02-12. Review status: criteria provided, single submitter. Criteria: Invitae Variant Classification Sherloc (09022015). Collection method: clinical testing. Allele origin: germline.
Comment: This sequence change falls in intron 5 of the GATM gene. It does not directly change the encoded amino acid sequence of the GATM protein. It affects a nucleotide within the consensus splice site. This variant is present in population databases (no rsID available, gnomAD 0.006%). This variant has not been reported in the literature in individuals affected with GATM-related conditions. ClinVar contains an entry for this variant (Variation ID: 995098). Variants that disrupt the consensus splice site are a relatively common cause of aberrant splicing (PMID: 17576681, 9536098). Algorithms developed to predict the effect of sequence changes on RNA splicing suggest that this variant is not likely to affect RNA splicing. In summary, the available evidence is currently insufficient to determine the role of this variant in disease. Therefore, it has been classified as a Variant of Uncertain Significance.

Athena Diagnostics
Classification: Uncertain significance. Last evaluated: 2019-10-03. Review status: criteria provided, single submitter. Criteria: Athena Diagnostics Criteria. Collection method: clinical testing. Allele origin: unknown.

Ambry Genetics
Classification: Uncertain significance for Inborn genetic diseases. Last evaluated: 2018-12-06. Review status: criteria provided, single submitter. Criteria: Ambry Variant Classification Scheme 2023. Collection method: clinical testing. Allele origin: germline.
Comment: The c.814-3C>T intronic variant results from a C to T substitution 3 nucleotides upstream from coding exon 6 in the GATM gene. This nucleotide position is well conserved in available vertebrate species. Using the BDGP and ESEfinder splice site prediction tools, this alteration is not predicted to have any significant effect on this splice acceptor site; however, direct evidence is unavailable. Since supporting evidence is limited at this time, the clinical significance of this alteration remains unclear.

Literature cited by the submitters: PubMed 17576681 (cited by Labcorp Genetics (formerly Invitae), Labcorp); PubMed 9536098 (cited by Labcorp Genetics (formerly Invitae), Labcorp).

NM_001482.3(GATM):c.814-3C>T

Gene: GATM (glycine amidinotransferase; minus strand). Cytogenetic location: 15q21.1.
Variant type: single nucleotide variant.
Coding change: c.814-3C>T on transcript NM_001482.3 (MANE Select); 3 bases into the intron before coding-DNA position 814, C replaced by T.
Molecular consequence: intron variant.
Genome position (GRCh38, 1-based): chr15:45,366,213, G>A on the plus strand (C>T on the coding strand, the complement: GATM is on the minus strand). VCF-style: chr15-45366213-G-A. GRCh37 (hg19) VCF-style: chr15-45658411-G-A.
Other names: c.427-3C>T (NM_001321015.2).
Identifiers: ClinVar variation 995098 (VCV000995098.7), dbSNP rs1262428448, ClinGen allele CA618007856.